The following is an entry in ClinVar:

ClinVar aggregate classification (germline): Uncertain significance (1 of 4 stars; one submission).

Submission:

Ambry Genetics
Classification: Uncertain significance. Last evaluated: 2025-08-10. Review status: criteria provided, single submitter. Criteria: Ambry Variant Classification Scheme 2023. Collection method: clinical testing. Allele origin: germline.
Comment: The p.D471N variant (also known as c.1411G>A), located in coding exon 10 of the RINT1 gene, results from a G to A substitution at nucleotide position 1411. The aspartic acid at codon 471 is replaced by asparagine, an amino acid with highly similar properties. This amino acid position is conserved. In addition, this alteration is predicted to be tolerated by in silico analysis. Based on the available evidence, the clinical significance of this variant remains unclear.

NM_021930.6(RINT1):c.1411G>A (p.Asp471Asn)

Gene: RINT1 (RAD50 interactor 1; plus strand). Cytogenetic location: 7q22.3.
Variant type: single nucleotide variant.
Coding change: c.1411G>A on transcript NM_021930.6 (MANE Select); coding-DNA position 1411, G replaced by A.
Protein change: p.Asp471Asn; replaces aspartic acid 471 with asparagine.
Molecular consequence: missense variant. On other transcripts: non-coding transcript variant (1).
Genome position (GRCh38, 1-based): chr7:105,551,647, G>A. VCF-style: chr7-105551647-G-A. GRCh37 (hg19) VCF-style: chr7-105192094-G-A.
Other names: c.1177G>A, p.Asp393Asn (NM_001346599.2); c.388G>A, p.Asp130Asn (NM_001346600.2, NM_001346603.2); c.487G>A, p.Asp163Asn (NM_001346601.2); short protein forms D393N, D130N, D471N, D163N.
Identifiers: ClinVar variation 4154619 (VCV004154619.1).